The following is an entry in ClinVar:

NM_006180.6(NTRK2):c.2240C>T (p.Thr747Met)

Gene: NTRK2 (neurotrophic receptor tyrosine kinase 2; plus strand). Cytogenetic location: 9q21.33.
Variant type: single nucleotide variant.
Coding change: c.2240C>T on transcript NM_006180.6 (MANE Select); coding-DNA position 2240, C replaced by T.
Protein change: p.Thr747Met; replaces threonine 747 with methionine.
Molecular consequence: missense variant.
Genome position (GRCh38, 1-based): chr9:85,020,273, C>T. VCF-style: chr9-85020273-C-T. GRCh37 (hg19) VCF-style: chr9-87635188-C-T.
Other names: c.2192C>T, p.Thr731Met (NM_001018064.3, NM_001369532.1, NM_001369533.1); c.2156C>T, p.Thr719Met (NM_001369534.1); c.1724C>T, p.Thr575Met (NM_001369535.1); c.1772C>T, p.Thr591Met (NM_001369536.1); short protein forms T575M, T719M, T747M, T731M, T591M.
Identifiers: ClinVar variation 4989062 (VCV004989062.1).
Genomic context (GRCh38, chr9:85,020,273, plus strand): 5'-GCCACACAATGCTGCCCATTCGCTGGATGCCTCCAGAGAGCATCATGTACAGGAAATTCA[C>T]GACGGAAAGCGACGTCTGGAGCCTGGGGGTCGTGTTGTGGGAGATTTTCACCTATGGCAA-3'
Protein context (NP_006171.2, residues 737-757): PPESIMYRKF[Thr747Met]TESDVWSLGV

ClinVar aggregate classification (germline): Uncertain significance (1 of 4 stars; one submission).

Conditions:
NTRK2-related disorder. Also called: NTRK2-related condition.

Submission:

PreventionGenetics, part of Exact Sciences
Classification: Uncertain significance for NTRK2-related condition. Last evaluated: 2025-07-06. Review status: criteria provided, single submitter. Criteria: ACMG Guidelines, 2015. Collection method: clinical testing. Allele origin: germline.
Comment: The NTRK2 c.2240C>T variant is predicted to result in the amino acid substitution p.Thr747Met. To our knowledge, this variant has not been reported in the literature or in a large population database (gnomAD), indicating this variant is rare. At this time, the clinical significance of this variant is uncertain due to the absence of conclusive functional and genetic evidence.